The following is an entry in ClinVar:

ClinVar aggregate classification (germline): Likely benign. Review status: criteria provided, multiple submitters, no conflicts (2 of 4 stars). 3 submissions from 3 submitters: Likely benign (2). 1 of the submissions does not count toward it. Last evaluated 2025-06-11.

Conditions:
TTN-related disorder. Also called: TTN-related condition; TTN-related disease; TTN-related disorders.
Dilated cardiomyopathy 1G (CMD1G). Identifiers: Orphanet 154, MedGen C1858763, MONDO:0011400, OMIM 604145.
Autosomal recessive limb-girdle muscular dystrophy type 2J (LGMDR10). Also called: MUSCULAR DYSTROPHY, LIMB-GIRDLE, AUTOSOMAL RECESSIVE 10; Limb-girdle muscular dystrophy, type 2J. Identifiers: Orphanet 140922, MedGen C1837342, MONDO:0012127, OMIM 608807.
Cardiovascular phenotype. Identifiers: MedGen CN230736.

Allele frequency attached by ClinVar (database versions not stated): gnomAD exomes below 0.00001.

Submissions (3):

Labcorp Genetics (formerly Invitae), Labcorp
Classification: Likely benign for Dilated cardiomyopathy 1G; Autosomal recessive limb-girdle muscular dystrophy type 2J. Last evaluated: 2025-06-11. Review status: criteria provided, single submitter. Criteria: Invitae Variant Classification Sherloc (09022015). Collection method: clinical testing. Allele origin: germline.

Ambry Genetics
Classification: Likely benign for Cardiovascular phenotype. Last evaluated: 2020-11-15. Review status: criteria provided, single submitter. Criteria: Ambry Variant Classification Scheme 2023. Collection method: clinical testing. Allele origin: germline.

PreventionGenetics, part of Exact Sciences
Classification: Likely benign for TTN-related condition. Last evaluated: 2019-03-25. Review status: no assertion criteria provided. Collection method: clinical testing. Allele origin: germline. Not counted in ClinVar's aggregate classification.
Comment: This variant is classified as likely benign based on ACMG/AMP sequence variant interpretation guidelines (Richards et al. 2015 PMID: 25741868, with internal and published modifications).

NM_001267550.2(TTN):c.102240C>T (p.Val34080=)

Genes: TTN-AS1 (TTN antisense RNA 1; plus strand), TTN (titin; minus strand). Cytogenetic location: 2q31.2.
Variant type: single nucleotide variant.
Coding change: c.102240C>T on transcript NM_001267550.2 (MANE Select); coding-DNA position 102240, C replaced by T.
Protein change: p.Val34080=; no amino-acid change (valine 34080 retained).
Molecular consequence: synonymous variant.
Genome position (GRCh38, 1-based): chr2:178,534,375, G>A on the plus strand (C>T on the coding strand, the complement: TTN is on the minus strand). VCF-style: chr2-178534375-G-A. GRCh37 (hg19) VCF-style: chr2-179399102-G-A.
Other names: c.97317C>T, p.Val32439= (NM_001256850.1); c.75045C>T, p.Val25015= (NM_003319.4); c.94536C>T, p.Val31512= (NM_133378.4); c.75420C>T, p.Val25140= (NM_133432.3); c.75621C>T, p.Val25207= (NM_133437.4).
Identifiers: ClinVar variation 700691 (VCV000700691.15), dbSNP rs1575278575, ClinGen allele CA430237870.